The following is an entry in ClinVar:

NM_014491.4(FOXP2):c.1182G>A (p.Gln394=)

Gene: FOXP2 (forkhead box P2; plus strand). Cytogenetic location: 7q31.1.
Variant type: single nucleotide variant.
Coding change: c.1182G>A on transcript NM_014491.4 (MANE Select); coding-DNA position 1182, G replaced by A.
Protein change: p.Gln394=; no amino-acid change (glutamine 394 retained).
Molecular consequence: synonymous variant. On other transcripts: non-coding transcript variant (2).
Genome position (GRCh38, 1-based): chr7:114,652,290, G>A. VCF-style: chr7-114652290-G-A. GRCh37 (hg19) VCF-style: chr7-114292345-G-A.
Other names: c.1179G>A, p.Gln393= (NM_001172766.3); c.1257G>A, p.Gln419= (NM_001172767.2, NM_148898.4); c.1182G>A, p.Gln394= (NM_148899.3); c.1233G>A, p.Gln411= (NM_148900.4).
Identifiers: ClinVar variation 587933 (VCV000587933.5), dbSNP rs1563060548, ClinGen allele CA457218668.
Genomic context (GRCh38, chr7:114,652,290, plus strand): 5'-TGACCGAAGCACTGCTCAGTGTCGAGTGCAAATGCAGGTGGTGCAACAGTTAGAAATACA[G>A]GTTTGTTAAATGCTCACTTAATGGACTCTTCTTAGATTTCTGGTGTGTTACATTGAGTAC-3'
Protein context (NP_055306.1, residues 384-404): QMQVVQQLEI[Gln394=]LSKERERLQA

ClinVar aggregate classification (germline): Uncertain significance (1 of 4 stars; one submission).

Conditions:
Inborn genetic diseases. Identifiers: MedGen C0950123, MeSH D030342.

Submission:

Ambry Genetics
Classification: Uncertain significance for Inborn genetic diseases. Last evaluated: 2016-06-06. Review status: criteria provided, single submitter. Criteria: Ambry Variant Classification Scheme 2023. Collection method: clinical testing. Allele origin: germline.
Comment: The c.1182G>A variant (also known as p.Q394Q), located in coding exon 8 of the FOXP2 gene, results from a G to A substitution at nucleotide position 1182. This nucleotide substitution does not change the amino acid at codon 394. However, this change occurs in the last base pair of coding exon 8, which makes it likely to have some effect on normal mRNA splicing. This variant was not reported in population based cohorts in the following databases: Database of Single Nucleotide Polymorphisms (dbSNP), NHLBI Exome Sequencing Project (ESP), and 1000 Genomes Project. In the ESP, this variant was not observed in 6503 samples (13006 alleles) with coverage at this position. This nucleotide position is highly conserved in available vertebrate species. Using two different splice site prediction tools, this alteration is predicted by BDGP to abolish the native splice donor site, but is predicted to weaken (but not abolish) the efficiency of the native splice donor site by ESEfinder; however, direct evidence is unavailable. Since supporting evidence is limited at this time, the clinical significance of this alteration remains unclear.